The following is an entry in ClinVar:

ClinVar aggregate classification (germline): Uncertain significance (1 of 4 stars; one submission).

Allele frequency attached by ClinVar (database versions not stated): gnomAD exomes below 0.00001; ExAC 0.00001; gnomAD 0.00001; TOPMed 0.00004; ESP Exome Variant Server 0.00015.
gnomAD v4.1: 3 of 1,613,188 alleles (0.00019%); highest among the groups gnomAD compares: African/African-American, 0.004%; no homozygotes.

Submission:

Labcorp Genetics (formerly Invitae), Labcorp
Classification: Uncertain significance. Last evaluated: 2022-05-19. Review status: criteria provided, single submitter. Criteria: Invitae Variant Classification Sherloc (09022015). Collection method: clinical testing. Allele origin: germline.
Comment: Algorithms developed to predict the effect of missense changes on protein structure and function are either unavailable or do not agree on the potential impact of this missense change (SIFT: "Deleterious"; PolyPhen-2: "Probably Damaging"; Align-GVGD: "Class C0"). In summary, the available evidence is currently insufficient to determine the role of this variant in disease. Therefore, it has been classified as a Variant of Uncertain Significance. This variant has not been reported in the literature in individuals affected with DSG1-related conditions. This variant is present in population databases (rs138930324, gnomAD 0.01%). This sequence change replaces isoleucine, which is neutral and non-polar, with threonine, which is neutral and polar, at codon 73 of the DSG1 protein (p.Ile73Thr).

NM_001942.4(DSG1):c.218T>C (p.Ile73Thr)

Gene: DSG1 (desmoglein 1; plus strand). Cytogenetic location: 18q12.1.
Variant type: single nucleotide variant.
Coding change: c.218T>C on transcript NM_001942.4 (MANE Select); coding-DNA position 218, T replaced by C.
Protein change: p.Ile73Thr; replaces isoleucine 73 with threonine.
Molecular consequence: missense variant.
Genome position (GRCh38, 1-based): chr18:31,328,190, T>C. VCF-style: chr18-31328190-T-C. GRCh37 (hg19) VCF-style: chr18-28908153-T-C.
Other names: short protein forms I73T.
Identifiers: ClinVar variation 2415032 (VCV002415032.6), dbSNP rs138930324, ClinGen allele CA8925795.